The following is an entry in ClinVar:

NM_001379081.2(FREM1):c.5049C>G (p.Asn1683Lys)

Gene: FREM1 (FRAS1 related extracellular matrix 1; minus strand). Cytogenetic location: 9p22.3.
Variant type: single nucleotide variant.
Coding change: c.5049C>G on transcript NM_001379081.2 (MANE Select); coding-DNA position 5049, C replaced by G.
Protein change: p.Asn1683Lys; replaces asparagine 1683 with lysine.
Molecular consequence: missense variant. On other transcripts: non-coding transcript variant (2).
Genome position (GRCh38, 1-based): chr9:14,770,615, G>C on the plus strand (C>G on the coding strand, the complement: FREM1 is on the minus strand). VCF-style: chr9-14770615-G-C. GRCh37 (hg19) VCF-style: chr9-14770613-G-C.
Other names: c.5049C>G, p.Asn1683Lys (NM_144966.7); c.657C>G, p.Asn219Lys (NM_001177704.3, NM_001370058.2, NM_001370061.2); short protein forms N1683K, N219K.
Identifiers: ClinVar variation 1450823 (VCV001450823.6), dbSNP rs200063334, ClinGen allele CA372962738.
Genomic context (GRCh38, chr9:14,770,615, plus strand): 5'-GCCACTGGGTATTTTAAAATGGCAATTGTAAGGATTAAGGAGGCCAGTACCTGTTGTTGT[G>C]TTCTCCAGATGTCCATGTTTTGGGCCTTGTAGAATTTTAAAGATGATCTGATCGTCCTCA-3'
Protein context (NP_001366010.1, residues 1673-1693): LQGPKHGHLE[Asn1683Lys]TTTGEFIHEK

ClinVar aggregate classification (germline): Uncertain significance (1 of 4 stars; one submission).

Submission:

Labcorp Genetics (formerly Invitae), Labcorp
Classification: Uncertain significance. Last evaluated: 2021-12-31. Review status: criteria provided, single submitter. Criteria: Invitae Variant Classification Sherloc (09022015). Collection method: clinical testing. Allele origin: germline.
Comment: In summary, the available evidence is currently insufficient to determine the role of this variant in disease. Therefore, it has been classified as a Variant of Uncertain Significance. Algorithms developed to predict the effect of missense changes on protein structure and function are either unavailable or do not agree on the potential impact of this missense change (SIFT: "Deleterious"; PolyPhen-2: "Possibly Damaging"; Align-GVGD: "Class C0"). This variant has not been reported in the literature in individuals affected with FREM1-related conditions. This variant is not present in population databases (gnomAD no frequency). This sequence change replaces asparagine, which is neutral and polar, with lysine, which is basic and polar, at codon 1683 of the FREM1 protein (p.Asn1683Lys).